The following is an entry in ClinVar:

ClinVar aggregate classification (germline): Uncertain significance (1 of 4 stars; one submission).

Allele frequency attached by ClinVar (database versions not stated): gnomAD exomes below 0.00001.
gnomAD v4.1: 2 of 1,614,186 alleles (0.00012%); highest among the groups gnomAD compares: South Asian, 0.0022%; no homozygotes.

Submission:

Labcorp Genetics (formerly Invitae), Labcorp
Classification: Uncertain significance. Last evaluated: 2024-11-18. Review status: criteria provided, single submitter. Criteria: Invitae Variant Classification Sherloc (09022015). Collection method: clinical testing. Allele origin: germline.
Comment: This sequence change replaces isoleucine, which is neutral and non-polar, with leucine, which is neutral and non-polar, at codon 3482 of the LRP2 protein (p.Ile3482Leu). This variant is not present in population databases (gnomAD no frequency). This variant has not been reported in the literature in individuals affected with LRP2-related conditions. ClinVar contains an entry for this variant (Variation ID: 1392743). Invitae Evidence Modeling of protein sequence and biophysical properties (such as structural, functional, and spatial information, amino acid conservation, physicochemical variation, residue mobility, and thermodynamic stability) indicates that this missense variant is not expected to disrupt LRP2 protein function with a negative predictive value of 80%. In summary, the available evidence is currently insufficient to determine the role of this variant in disease. Therefore, it has been classified as a Variant of Uncertain Significance.

NM_004525.3(LRP2):c.10444A>C (p.Ile3482Leu)

Gene: LRP2 (LDL receptor related protein 2; minus strand). Cytogenetic location: 2q31.1.
Variant type: single nucleotide variant.
Coding change: c.10444A>C on transcript NM_004525.3 (MANE Select); coding-DNA position 10444, A replaced by C.
Protein change: p.Ile3482Leu; replaces isoleucine 3482 with leucine.
Molecular consequence: missense variant.
Genome position (GRCh38, 1-based): chr2:169,176,538, T>G on the plus strand (A>C on the coding strand, the complement: LRP2 is on the minus strand). VCF-style: chr2-169176538-T-G. GRCh37 (hg19) VCF-style: chr2-170033048-T-G.
Other names: short protein forms I3482L.
Identifiers: ClinVar variation 1392743 (VCV001392743.7), dbSNP rs2105286581, ClinGen allele CA349147760.